The following is an entry in ClinVar:

NM_139125.4(MASP1):c.585G>A (p.Gly195=)

Gene: MASP1 (MBL associated serine protease 1; minus strand). Cytogenetic location: 3q27.3.
Variant type: single nucleotide variant.
Coding change: c.585G>A on transcript NM_139125.4 (MANE Select); coding-DNA position 585, G replaced by A.
Protein change: p.Gly195=; no amino-acid change (glycine 195 retained).
Molecular consequence: synonymous variant. On other transcripts: non-coding transcript variant (1).
Genome position (GRCh38, 1-based): chr3:187,256,823, C>T on the plus strand (G>A on the coding strand, the complement: MASP1 is on the minus strand). VCF-style: chr3-187256823-C-T. GRCh37 (hg19) VCF-style: chr3-186974611-C-T.
Other names: c.585G>A, p.Gly195= (NM_001031849.3, NM_001879.6).
Identifiers: ClinVar variation 3057260 (VCV003057260.3), dbSNP rs368371184, ClinGen allele CA2749566.
Genomic context (GRCh38, chr3:187,256,823, plus strand): 5'-GGTATACAGGCATTCAGAGCTCTTGGGGTAAGGGTTTGGGAAGTCAGGGCTGGTGATCAC[C>T]CCAGTCCTTTGAGTGAAGAGGTTGTCACTGCACTCCACTGTTGGAAACATAATAGAGAAA-3'
Protein context (NP_624302.1, residues 185-205): CSDNLFTQRT[Gly195=]VITSPDFPNP

ClinVar aggregate classification (germline): Likely benign. Review status: criteria provided, single submitter (1 of 4 stars). 2 submissions from 2 submitters: Likely benign (1). 1 of the submissions does not count toward it. Last evaluated 2021-05-05.

Conditions:
MASP1-related disorder. Also called: MASP1-related condition.

Allele frequency attached by ClinVar (database versions not stated): gnomAD 0.00001; gnomAD exomes 0.00001; TOPMed 0.00001; ExAC 0.00002; ESP Exome Variant Server 0.00008.
gnomAD v4.1: 12 of 1,613,792 alleles (0.00074%); highest among the groups gnomAD compares: Non-Finnish European, 0.001%; no homozygotes.

Submissions (2):

Blueprint Genetics
Classification: Likely benign. Last evaluated: 2021-05-05. Review status: criteria provided, single submitter. Criteria: ACMG Guidelines, 2015. Collection method: clinical testing. Allele origin: germline.

PreventionGenetics, part of Exact Sciences
Classification: Likely benign for MASP1-related condition. Last evaluated: 2019-02-28. Review status: no assertion criteria provided. Collection method: clinical testing. Allele origin: germline. Not counted in ClinVar's aggregate classification.
Comment: This variant is classified as likely benign based on ACMG/AMP sequence variant interpretation guidelines (Richards et al. 2015 PMID: 25741868, with internal and published modifications).